The following is an entry in ClinVar:

ClinVar aggregate classification (germline): Uncertain significance (1 of 4 stars; one submission).

Conditions:
Arrhythmogenic right ventricular dysplasia 5. Also called: Arrhythmogenic Right Ventricular Dysplasia/Cardiomyopathy 5; ARRHYTHMOGENIC RIGHT VENTRICULAR DYSPLASIA, FAMILIAL, 5. Identifiers: MedGen C1858379, MONDO:0011459, OMIM 604400.

Allele frequency attached by ClinVar (database versions not stated): TOPMed below 0.00001.

Submission:

Labcorp Genetics (formerly Invitae), Labcorp
Classification: Uncertain significance for Arrhythmogenic right ventricular dysplasia 5. Last evaluated: 2022-10-25. Review status: criteria provided, single submitter. Criteria: Invitae Variant Classification Sherloc (09022015). Collection method: clinical testing. Allele origin: germline.
Comment: This sequence change replaces tyrosine, which is neutral and polar, with cysteine, which is neutral and slightly polar, at codon 331 of the TMEM43 protein (p.Tyr331Cys). This variant is not present in population databases (gnomAD no frequency). This variant has not been reported in the literature in individuals affected with TMEM43-related conditions. Advanced modeling of protein sequence and biophysical properties (such as structural, functional, and spatial information, amino acid conservation, physicochemical variation, residue mobility, and thermodynamic stability) has been performed at Invitae for this missense variant, however the output from this modeling did not meet the statistical confidence thresholds required to predict the impact of this variant on TMEM43 protein function. In summary, the available evidence is currently insufficient to determine the role of this variant in disease. Therefore, it has been classified as a Variant of Uncertain Significance.

NM_024334.3(TMEM43):c.992A>G (p.Tyr331Cys)

Gene: TMEM43 (transmembrane protein 43; plus strand). Cytogenetic location: 3p25.1.
Variant type: single nucleotide variant.
Coding change: c.992A>G on transcript NM_024334.3 (MANE Select); coding-DNA position 992, A replaced by G.
Protein change: p.Tyr331Cys; replaces tyrosine 331 with cysteine.
Molecular consequence: missense variant.
Genome position (GRCh38, 1-based): chr3:14,139,289, A>G. VCF-style: chr3-14139289-A-G. GRCh37 (hg19) VCF-style: chr3-14180789-A-G.
Other names: c.995A>G, p.Tyr332Cys (NM_001407274.1); c.989A>G, p.Tyr330Cys (NM_001407275.1, NM_001407276.1); c.986A>G, p.Tyr329Cys (NM_001407277.1); c.977A>G, p.Tyr326Cys (NM_001407278.1); c.917A>G, p.Tyr306Cys (NM_001407279.1); c.842A>G, p.Tyr281Cys (NM_001407280.1); short protein forms Y330C, Y281C, Y306C, Y326C, Y329C, Y331C, Y332C.
Identifiers: ClinVar variation 1962170 (VCV001962170.5), dbSNP rs1695218671, ClinGen allele CA351536310.